The following is an entry in ClinVar:

ClinVar aggregate classification (germline): Uncertain significance. Review status: criteria provided, multiple submitters, no conflicts (2 of 4 stars). 10 submissions from 10 submitters: Uncertain significance (9). 1 of the submissions does not count toward it. Last evaluated 2026-10-06.

Conditions:
Dyskeratosis congenita. Identifiers: Orphanet 1775, MedGen C0265965, MONDO:0015780.
Pulmonary fibrosis and/or bone marrow failure, Telomere-related, 3. Also called: PULMONARY FIBROSIS AND/OR BONE MARROW FAILURE SYNDROME, TELOMERE-RELATED, 3. Identifiers: Orphanet 2032, MedGen C4225346, MONDO:0014613, OMIM 616373.
Dyskeratosis congenita, autosomal recessive 5 (DKCB5). Identifiers: MedGen C3554656, MONDO:0014076, OMIM 615190.

Allele frequency attached by ClinVar (database versions not stated): ExAC 0.00015; ESP Exome Variant Server 0.00023; TOPMed 0.00035.
gnomAD v4.1: 797 of 1,612,198 alleles (0.049%); highest among the groups gnomAD compares: Non-Finnish European, 0.063%; 1 homozygote.

Submissions (10):

GeneDx
Classification: Uncertain significance. Last evaluated: 2026-10-06. Review status: criteria provided, single submitter. Criteria: GeneDx Variant Classification Process June 2021. Collection method: clinical testing. Allele origin: germline.
Comment: In silico analysis supports that this missense variant has a deleterious effect on protein structure/function; Published functional studies do not demonstrate a conclusive damaging effect (PMID: 29344583); Also known as c.1955T>C p.M652T; This variant is associated with the following publications: (PMID: 29344583, 30523342)

Labcorp Genetics (formerly Invitae), Labcorp
Classification: Uncertain significance for Dyskeratosis congenita, autosomal recessive 5; Pulmonary fibrosis and/or bone marrow failure, Telomere-related, 3. Last evaluated: 2026-01-28. Review status: criteria provided, single submitter. Criteria: Invitae Variant Classification Sherloc (09022015). Collection method: clinical testing. Allele origin: germline.
Comment: This sequence change replaces methionine, which is neutral and non-polar, with threonine, which is neutral and polar, at codon 652 of the RTEL1 protein (p.Met652Thr). This variant is present in population databases (rs148080505, gnomAD 0.05%). This missense change has been observed in individual(s) with clinical features of RTEL1-related conditions (PMID: 30523342). ClinVar contains an entry for this variant (Variation ID: 436587). An algorithm developed to predict the effect of missense changes on protein structure and function (PolyPhen-2) suggests that this variant is likely to be tolerated. Experimental studies have shown that this missense change does not substantially affect RTEL1 function (PMID: 29344583). In summary, the available evidence is currently insufficient to determine the role of this variant in disease. Therefore, it has been classified as a Variant of Uncertain Significance.

Mayo Clinic Laboratories, Mayo Clinic
Classification: Uncertain significance. Last evaluated: 2025-08-04. Review status: criteria provided, single submitter. Criteria: ACMG Guidelines, 2015. Collection method: clinical testing. Allele origin: germline. Observed: 2 variant alleles.

Blueprint Genetics
Classification: Uncertain significance. Last evaluated: 2024-10-15. Review status: criteria provided, single submitter. Criteria: ACMG Guidelines, 2015. Collection method: clinical testing. Allele origin: germline.

Fulgent Genetics
Classification: Uncertain significance for Dyskeratosis congenita, autosomal recessive 5; Pulmonary fibrosis and/or bone marrow failure, Telomere-related, 3. Last evaluated: 2024-06-03. Review status: criteria provided, single submitter. Criteria: ACMG Guidelines, 2015. Collection method: clinical testing. Allele origin: germline.

Baylor Genetics
Classification: Uncertain significance for Dyskeratosis congenita, autosomal recessive 5. Last evaluated: 2022-09-27. Review status: criteria provided, single submitter. Criteria: ACMG Guidelines, 2015. Collection method: clinical testing. Allele origin: unknown.

Sema4
Classification: Uncertain significance for Dyskeratosis congenita. Last evaluated: 2021-09-03. Review status: criteria provided, single submitter. Criteria: Sema4 Curation Guidelines. Collection method: curation. Allele origin: germline.
Comment: The RTEL1 c.1955T>C (p.M652T) variant, also known as c.2027T>C (p.M676T) (NM_032957.4), has been reported in 1 individual with idiopathic cytopenia and neutropenia (PMID 29344583), in lung cancer cases, as well as controls (PMID 29981437). This variant observed in 66/127130 chromosomes in the Non-Finnish European population according to the Genome Aggregation Database (PMID: 32461654). This variant has been reported in ClinVar (Variation ID 141751). Functional studies have shown that this variant functions similarly to wildtype protein in the downstream activation of the TRF2 protein (PMID 29344583). In silico predictions of the variant's effect on protein function are inconclusive. The overall evidence is insufficient to meet ACMG/AMP criteria for classifying it as benign or pathogenic. In summary, the clinical significance of this variant is currently uncertain.

Laboratory for Molecular Medicine, Mass General Brigham Personalized Medicine
Classification: Uncertain significance. Last evaluated: 2018-03-21. Review status: criteria provided, single submitter. Criteria: LMM Criteria. Collection method: clinical testing. Allele origin: germline. Observed: 1 variant allele.
Comment: The p.Met676Thr variant in RTEL1 has not been previously reported in individuals with pulmonary fibrosis or dyskeratosis congenita, but has been identified in 0 .05% (62/125316) of European American chromosomes by the Genome Aggregation Data base (gnomAD; dbSNP rs148080505). Although the variant was observed in the general population, its frequency is not high enoug h to rule out pathogenicity. The variant has also been reported in ClinVar (Vari ation ID:436587). Computational prediction tools and conservation analysis do no t provide strong support for or against an impact to the protein. In summary, th e clinical significance of the p.Met676Thr variant is uncertain. ACMG/AMP Criter ia applied: none.

Genetic Services Laboratory, University of Chicago
Classification: Uncertain significance. Last evaluated: 2015-11-24. Review status: criteria provided, single submitter. Criteria: ACMG Guidelines, 2015. Collection method: clinical testing. Allele origin: germline. Affected: no.

Natera, Inc.
Classification: Uncertain significance for Dyskeratosis congenita. Last evaluated: 2020-01-20. Review status: no assertion criteria provided. Collection method: clinical testing. Allele origin: germline. Not counted in ClinVar's aggregate classification.

Literature cited by the submitters: PubMed 30523342 (cited by Labcorp Genetics (formerly Invitae), Labcorp and Mayo Clinic Laboratories, Mayo Clinic); PubMed 29344583 (cited by 3 submitters); PubMed 29981437 (cited by Mayo Clinic Laboratories, Mayo Clinic and Sema4).

NM_001283009.2(RTEL1):c.1955T>C (p.Met652Thr)

Genes: RTEL1 (regulator of telomere elongation helicase 1; plus strand), RTEL1-TNFRSF6B (RTEL1-TNFRSF6B readthrough (NMD candidate); plus strand). Cytogenetic location: 20q13.33.
Variant type: single nucleotide variant.
Coding change: c.1955T>C on transcript NM_001283009.2 (MANE Select); coding-DNA position 1955, T replaced by C.
Protein change: p.Met652Thr; replaces methionine 652 with threonine.
Molecular consequence: missense variant. On other transcripts: non-coding transcript variant (1).
Genome position (GRCh38, 1-based): chr20:63,689,578, T>C. VCF-style: chr20-63689578-T-C. GRCh37 (hg19) VCF-style: chr20-62320931-T-C.
Other names: p.Met652Thr; c.1286T>C, p.Met429Thr (NM_001283010.1); c.1955T>C, p.Met652Thr (NM_016434.4); c.2027T>C, p.Met676Thr (NM_032957.5); short protein forms M652T, M676T, M429T.
Identifiers: ClinVar variation 436587 (VCV000436587.26), dbSNP rs148080505, ClinGen allele CA9965091.
Genomic context (GRCh38, chr20:63,689,578, plus strand): 5'-ACTTCTCAGACACGAATGGCCGTGGTGTGATTGTCACGGGCCTCCCGTACCCCCCACGCA[T>C]GGACCCCCGGGTTGTCCTCAAGATGCAGTTCCTGGATGAGATGAAGGGCCAGGGTGGGGC-3'
Protein context (NP_001269938.1, residues 642-662): IVTGLPYPPR[Met652Thr]DPRVVLKMQF